The following is an entry in ClinVar:

NM_017871.6(INTS11):c.1132C>T (p.Leu378=)

Gene: INTS11 (integrator complex subunit 11; minus strand). Cytogenetic location: 1p36.33.
Variant type: single nucleotide variant.
Coding change: c.1132C>T on transcript NM_017871.6 (MANE Select); coding-DNA position 1132, C replaced by T.
Protein change: p.Leu378=; no amino-acid change (leucine 378 retained).
Molecular consequence: synonymous variant.
Genome position (GRCh38, 1-based): chr1:1,312,949, G>A on the plus strand (C>T on the coding strand, the complement: INTS11 is on the minus strand). VCF-style: chr1-1312949-G-A. GRCh37 (hg19) VCF-style: chr1-1248329-G-A.
Other names: c.1150C>T, p.Leu384= (NM_001256456.2); c.1045C>T, p.Leu349= (NM_001256460.2); c.838C>T, p.Leu280= (NM_001256462.2); c.829C>T, p.Leu277= (NM_001256463.2).
Identifiers: ClinVar variation 3777810 (VCV003777810.7).

ClinVar aggregate classification (germline): Likely benign (1 of 4 stars; one submission).

gnomAD v4.1: 6,139 of 1,611,684 alleles (0.38%); highest among the groups gnomAD compares: Non-Finnish European, 0.49%; 17 homozygotes.

Submission:

CeGaT Center for Human Genetics Tuebingen
Classification: Likely benign. Last evaluated: 2026-09-01. Review status: criteria provided, single submitter. Criteria: CeGaT Center For Human Genetics Tuebingen Variant Classification Criteria Version 2. Collection method: clinical testing. Allele origin: germline. Affected: yes. Observed: 16 variant alleles.
Comment: INTS11: BP4, BS2